The following is an entry in ClinVar:

ClinVar aggregate classification (germline): Uncertain significance (1 of 4 stars; one submission).

Conditions:
Infantile-onset ascending hereditary spastic paralysis (IAHSP). Also called: Infantile-Onset Ascending Hereditary Spastic Paralysis (IAHSP); Autosomal Recessive Juvenile Amyotrophic Lateral Sclerosis. Identifiers: Orphanet 293168, MedGen C2931441, MONDO:0011797, OMIM 607225. Disease mechanism: loss of function.

Submission:

Labcorp Genetics (formerly Invitae), Labcorp
Classification: Uncertain significance for Infantile-onset ascending hereditary spastic paralysis. Last evaluated: 2021-10-18. Review status: criteria provided, single submitter. Criteria: Invitae Variant Classification Sherloc (09022015). Collection method: clinical testing. Allele origin: germline.
Comment: In summary, the available evidence is currently insufficient to determine the role of this variant in disease. Therefore, it has been classified as a Variant of Uncertain Significance. This sequence change replaces tyrosine with histidine at codon 348 of the ALS2 protein (p.Tyr348His). The tyrosine residue is weakly conserved and there is a moderate physicochemical difference between tyrosine and histidine. This variant is not present in population databases (ExAC no frequency). This variant has not been reported in the literature in individuals affected with ALS2-related conditions. Algorithms developed to predict the effect of missense changes on protein structure and function output the following: SIFT: "Tolerated"; PolyPhen-2: "Benign"; Align-GVGD: "Class C0". The histidine amino acid residue is found in multiple mammalian species, which suggests that this missense change does not adversely affect protein function.

NM_020919.4(ALS2):c.1042T>C (p.Tyr348His)

Gene: ALS2 (alsin Rho guanine nucleotide exchange factor ALS2; minus strand). Cytogenetic location: 2q33.1.
Variant type: single nucleotide variant.
Coding change: c.1042T>C on transcript NM_020919.4 (MANE Select); coding-DNA position 1042, T replaced by C.
Protein change: p.Tyr348His; replaces tyrosine 348 with histidine.
Molecular consequence: missense variant.
Genome position (GRCh38, 1-based): chr2:201,760,952, A>G on the plus strand (T>C on the coding strand, the complement: ALS2 is on the minus strand). VCF-style: chr2-201760952-A-G. GRCh37 (hg19) VCF-style: chr2-202625675-A-G.
Other names: c.1042T>C, p.Tyr348His (NM_001135745.2); short protein forms Y348H.
Identifiers: ClinVar variation 1387253 (VCV001387253.6), dbSNP rs2106087522, ClinGen allele CA350327549.